The following is an entry in ClinVar:

ClinVar aggregate classification (germline): Benign. Review status: criteria provided, multiple submitters, no conflicts (2 of 4 stars). 11 submissions from 11 submitters: Benign (11). Last evaluated 2026-02-04.

Conditions:
Familial thoracic aortic aneurysm and aortic dissection (TAAD). Also called: Thoracic aortic aneurysms and dissections. Identifiers: Orphanet 91387, MedGen C4707243, MONDO:0019625.
Ehlers-Danlos syndrome, kyphoscoliotic type 1 (EDSKSCL1). Also called: Ehlers-Danlos syndrome, hydroxylysine-deficient; EHLERS-DANLOS SYNDROME, OCULAR-SCOLIOTIC TYPE; PLOD1-Related Kyphoscoliotic Ehlers-Danlos Syndrome; EHLERS-DANLOS SYNDROME, TYPE VIA. Identifiers: Orphanet 1900, MedGen C0268342, MONDO:0016002, OMIM 225400. Disease mechanism: loss of function.

Allele frequency attached by ClinVar (database versions not stated): gnomAD 0.05658 and 0.05798; TOPMed 0.05724; ESP Exome Variant Server 0.06075; 1000 Genomes Project 30x 0.06106; 1000 Genomes Project 0.06450.
gnomAD v4.1: 121,279 of 1,606,252 alleles (7.6%); highest among the groups gnomAD compares: East Asian, 8.5%; 5,095 homozygotes.

Submissions (11):

Labcorp Genetics (formerly Invitae), Labcorp
Classification: Benign for Ehlers-Danlos syndrome, kyphoscoliotic type 1. Last evaluated: 2026-02-04. Review status: criteria provided, single submitter. Criteria: Invitae Variant Classification Sherloc (09022015). Collection method: clinical testing. Allele origin: germline.

ARUP Laboratories, Molecular Genetics and Genomics, ARUP Laboratories
Classification: Benign for Ehlers-Danlos syndrome, kyphoscoliotic type 1. Last evaluated: 2025-07-23. Review status: criteria provided, single submitter. Criteria: ARUP Molecular Germline Variant Investigation Process 2024. Collection method: clinical testing. Allele origin: germline.

Molecular Diagnostic Laboratory for Inherited Cardiovascular Disease, Montreal Heart Institute
Classification: Benign. Last evaluated: 2025-04-09. Review status: criteria provided, single submitter. Criteria: ACMG Guidelines, 2015. Collection method: clinical testing. Allele origin: germline. Affected: no.

Blueprint Genetics
Classification: Benign. Last evaluated: 2024-11-26. Review status: criteria provided, single submitter. Criteria: ACMG Guidelines, 2015. Collection method: clinical testing. Allele origin: germline.

Women's Health and Genetics/Laboratory Corporation of America, LabCorp
Classification: Benign. Last evaluated: 2023-04-09. Review status: criteria provided, single submitter. Criteria: LabCorp Variant Classification Summary - May 2015. Collection method: clinical testing. Allele origin: germline.

Mayo Clinic Laboratories, Mayo Clinic
Classification: Benign. Last evaluated: 2019-03-26. Review status: criteria provided, single submitter. Criteria: ACMG Guidelines, 2015. Collection method: clinical testing. Allele origin: germline. Observed: 760 variant alleles.

Illumina Laboratory Services, Illumina
Classification: Benign for Ehlers-Danlos syndrome, kyphoscoliotic type 1. Last evaluated: 2018-01-12. Review status: criteria provided, single submitter. Criteria: ICSL Variant Classification Criteria 13 December 2019. Collection method: clinical testing. Allele origin: germline.
Comment: This variant was observed in the ICSL laboratory as part of a predisposition screen in an ostensibly healthy population. It had not been previously curated by ICSL or reported in the Human Gene Mutation Database (HGMD: prior to June 1st, 2018), and was therefore a candidate for classification through an automated scoring system. Utilizing variant allele frequency, disease prevalence and penetrance estimates, and inheritance mode, an automated score was calculated to assess if this variant is too frequent to cause the disease. Based on the score and internal cut-off values, a variant classified as benign is not then subjected to further curation. The score for this variant resulted in a classification of benign for this disease.

GeneDx
Classification: Benign. Last evaluated: 2016-10-05. Review status: criteria provided, single submitter. Criteria: GeneDx Variant Classification (06012015). Collection method: clinical testing. Allele origin: germline. Affected: yes.
Comment: This variant is considered likely benign or benign based on one or more of the following criteria: it is a conservative change, it occurs at a poorly conserved position in the protein, it is predicted to be benign by multiple in silico algorithms, and/or has population frequency not consistent with disease.

Ambry Genetics
Classification: Benign for Familial thoracic aortic aneurysm and aortic dissection. Last evaluated: 2015-01-29. Review status: criteria provided, single submitter. Criteria: Ambry Variant Classification Scheme 2023. Collection method: clinical testing. Allele origin: germline.

Breakthrough Genomics
Classification: Benign. Review status: criteria provided, single submitter. Criteria: ACMG Guidelines, 2015. Collection method: not provided. Allele origin: germline. Inheritance: Autosomal recessive inheritance. Affected: yes.

PreventionGenetics, part of Exact Sciences
Classification: Benign. Review status: criteria provided, single submitter. Criteria: ACMG Guidelines, 2015. Collection method: clinical testing. Allele origin: germline.

NM_000302.4(PLOD1):c.1632A>C (p.Ala544=)

Gene: PLOD1 (procollagen-lysine,2-oxoglutarate 5-dioxygenase 1; plus strand). Cytogenetic location: 1p36.22.
Variant type: single nucleotide variant.
Coding change: c.1632A>C on transcript NM_000302.4 (MANE Select); coding-DNA position 1632, A replaced by C.
Protein change: p.Ala544=; no amino-acid change (alanine 544 retained).
Molecular consequence: synonymous variant.
Genome position (GRCh38, 1-based): chr1:11,966,298, A>C. VCF-style: chr1-11966298-A-C. GRCh37 (hg19) VCF-style: chr1-12026355-A-C.
Other names: p.Ala544=; c.1773A>C, p.Ala591= (NM_001316320.2).
Identifiers: ClinVar variation 255802 (VCV000255802.70), dbSNP rs2230898, ClinGen allele CA598488.